The following is an entry in ClinVar:

NM_001330288.2(SMARCC2):c.1936A>G (p.Met646Val)

Gene: SMARCC2 (SWI/SNF related BAF chromatin remodeling complex subunit C2; minus strand). Cytogenetic location: 12q13.2.
Variant type: single nucleotide variant.
Coding change: c.1936A>G on transcript NM_001330288.2 (MANE Select); coding-DNA position 1936, A replaced by G.
Protein change: p.Met646Val; replaces methionine 646 with valine.
Molecular consequence: missense variant.
Genome position (GRCh38, 1-based): chr12:56,171,928, T>C on the plus strand (A>G on the coding strand, the complement: SMARCC2 is on the minus strand). VCF-style: chr12-56171928-T-C. GRCh37 (hg19) VCF-style: chr12-56565712-T-C.
Other names: c.1936A>G, p.Met646Val (NM_001130420.3, NM_139067.4); c.1843A>G, p.Met615Val (NM_003075.5); short protein forms M615V, M646V.
Identifiers: ClinVar variation 4687510 (VCV004687510.1).

ClinVar aggregate classification (germline): Uncertain significance (1 of 4 stars; one submission).

Submission:

Women's Health and Genetics/Laboratory Corporation of America, LabCorp
Classification: Uncertain significance. Last evaluated: 2025-10-07. Review status: criteria provided, single submitter. Criteria: LabCorp Variant Classification Summary - May 2015. Collection method: clinical testing. Allele origin: germline.
Comment: Variant summary: SMARCC2 c.1843A>G (p.Met615Val) results in a conservative amino acid change in the encoded protein sequence. Algorithms developed to predict the effect of missense changes on protein structure and function are either unavailable or do not agree on the potential impact of this missense change. The variant allele was found at a frequency of 4.1e-06 in 242476 control chromosomes. The available data on variant occurrences in the general population are insufficient to allow any conclusion about variant significance. To our knowledge, no occurrence of c.1843A>G in individuals affected with SMARCC2-related conditions and no experimental evidence demonstrating its impact on protein function have been reported. No submitters have cited clinical-significance assessments for this variant to ClinVar. Based on the evidence outlined above, the variant was classified as uncertain significance.